The following is an entry in ClinVar:

ClinVar aggregate classification (germline): Uncertain significance (1 of 4 stars; one submission).

Conditions:
Familial encephalopathy with neuroserpin inclusion bodies. Also called: ENCEPHALOPATHY, FAMILIAL, WITH COLLINS BODIES. Identifiers: Orphanet 85110, MedGen C1858680, MONDO:0011412, OMIM 604218.

Allele frequency attached by ClinVar (database versions not stated): gnomAD exomes below 0.00001.
gnomAD v4.1: 3 of 1,609,698 alleles (0.00019%); highest among the groups gnomAD compares: Admixed American, 0.0017%; no homozygotes.

Submission:

Labcorp Genetics (formerly Invitae), Labcorp
Classification: Uncertain significance for Familial encephalopathy with neuroserpin inclusion bodies. Last evaluated: 2022-02-02. Review status: criteria provided, single submitter. Criteria: Invitae Variant Classification Sherloc (09022015). Collection method: clinical testing. Allele origin: germline.
Comment: In summary, the available evidence is currently insufficient to determine the role of this variant in disease. Therefore, it has been classified as a Variant of Uncertain Significance. Advanced modeling of protein sequence and biophysical properties (such as structural, functional, and spatial information, amino acid conservation, physicochemical variation, residue mobility, and thermodynamic stability) performed at Invitae indicates that this missense variant is not expected to disrupt SERPINI1 protein function. This variant has not been reported in the literature in individuals affected with SERPINI1-related conditions. This variant is present in population databases (no rsID available, gnomAD 0.003%). This sequence change replaces alanine, which is neutral and non-polar, with threonine, which is neutral and polar, at codon 336 of the SERPINI1 protein (p.Ala336Thr).

NM_001122752.2(SERPINI1):c.1006G>A (p.Ala336Thr)

Gene: SERPINI1 (serpin family I member 1; plus strand). Cytogenetic location: 3q26.1.
Variant type: single nucleotide variant.
Coding change: c.1006G>A on transcript NM_001122752.2 (MANE Select); coding-DNA position 1006, G replaced by A.
Protein change: p.Ala336Thr; replaces alanine 336 with threonine.
Molecular consequence: missense variant.
Genome position (GRCh38, 1-based): chr3:167,823,012, G>A. VCF-style: chr3-167823012-G-A. GRCh37 (hg19) VCF-style: chr3-167540800-G-A.
Other names: c.1006G>A, p.Ala336Thr (NM_005025.5); short protein forms A336T.
Identifiers: ClinVar variation 1499205 (VCV001499205.8), dbSNP rs1268255256, ClinGen allele CA355157645.